The following is an entry in ClinVar:

ClinVar aggregate classification (germline): Pathogenic. Review status: criteria provided, multiple submitters, no conflicts (2 of 4 stars). 4 submissions from 4 submitters: Pathogenic (2). 2 of the submissions do not count toward it. Last evaluated 2021-03-08.

Conditions:
Succinate-semialdehyde dehydrogenase deficiency (SSADHD). Also called: Succinic Semialdehyde Dehydrogenase Deficiency; SSADH DEFICIENCY; 4-HYDROXYBUTYRIC ACIDURIA; GABA METABOLIC DEFECT. Identifiers: Orphanet 22, MedGen C0268631, MONDO:0010083, OMIM 271980.

Submissions (4):

Elsea Laboratory, Baylor College of Medicine
Classification: Pathogenic for Succinate-semialdehyde dehydrogenase deficiency. Last evaluated: 2021-03-08. Review status: criteria provided, single submitter. Criteria: Martin et al. (J Child Neurol. 2021). Collection method: curation. Allele origin: germline. Affected: yes.
Comment: sequence_variant_affecting_splicing; IVS9; elevated GHB

Revvity Omics, Revvity
Classification: Pathogenic for Succinate-semialdehyde dehydrogenase deficiency. Last evaluated: 2020-11-20. Review status: criteria provided, single submitter. Criteria: ACMG Guidelines, 2015. Collection method: clinical testing. Allele origin: germline.

Genomic Research Center, Shahid Beheshti University of Medical Sciences
Classification: Pathogenic for Succinate-semialdehyde dehydrogenase deficiency. Last evaluated: 2016-04-28. Review status: no assertion criteria provided. Collection method: clinical testing. Allele origin: germline. Affected: yes. Observed: 1 variant allele. Not counted in ClinVar's aggregate classification.

Department of Pathology and Laboratory Medicine, Sinai Health System
Classification: Likely pathogenic. Review status: no assertion criteria provided. Collection method: clinical testing. Allele origin: unknown. Affected: yes. Study: The Canadian Open Genetics Repository (COGR). Not counted in ClinVar's aggregate classification.
Comment: The ALDH5A1 c.1382+1_1382+3delinsTT variant was not identified in the literature but was identified in dbSNP (ID: rs875989801) and ClinVar (classified as pathogenic by Genomic Research Center, Shahid Beheshti University of Medical Sciences). The variant was not identified in the following control databases: the 1000 Genomes Project, the NHLBI GO Exome Sequencing Project, or the Genome Aggregation Database (March 6, 2019, v2.1.1). The c.1382+1_1382+3delinsTT variant is predicted to cause abnormal splicing because the nucleotide substitution occurs in the invariant region of the splice consensus sequence. In addition, in silico or computational prediction software programs (SpliceSiteFinder, MaxEntScan, NNSPLICE, GeneSplicer) predict a difference in splicing and the loss of the canonical 5' splice site. In summary, based on the above information the clinical significance of this variant cannot be determined with certainty at this time although we would lean towards a more pathogenic role for this variant. This variant is classified as likely pathogenic.

Literature cited by the submitters: PubMed 32055132 (cited by Elsea Laboratory, Baylor College of Medicine).

NM_001080.3(ALDH5A1):c.1343+1_1343+3delinsTT

Gene: ALDH5A1 (aldehyde dehydrogenase 5 family member A1; plus strand). Cytogenetic location: 6p22.3.
Variant type: Indel.
Coding change: c.1343+1_1343+3delinsTT on transcript NM_001080.3 (MANE Select); the canonical splice donor site of the intron after coding-DNA position 1343 through 3 bases into the intron after coding-DNA position 1343, GTA replaced by TT.
Molecular consequence: splice donor variant.
Genome position (GRCh38, 1-based): chr6:24,528,167-24,528,169, GTA replaced by TT. VCF-style: chr6-24528167-GTA-TT. GRCh37 (hg19) VCF-style: chr6-24528395-GTA-TT.
Other names: c.1199+1_1199+3delinsTT (NM_001368954.1); c.1382+1_1382+3delinsTT (NM_170740.1).
Identifiers: ClinVar variation 225890 (VCV000225890.12), dbSNP rs875989801, ClinGen allele CA10576132.